The following is an entry in ClinVar:

NM_021930.6(RINT1):c.1420A>G (p.Lys474Glu)

Gene: RINT1 (RAD50 interactor 1; plus strand). Cytogenetic location: 7q22.3.
Variant type: single nucleotide variant.
Coding change: c.1420A>G on transcript NM_021930.6 (MANE Select); coding-DNA position 1420, A replaced by G.
Protein change: p.Lys474Glu; replaces lysine 474 with glutamic acid.
Molecular consequence: missense variant. On other transcripts: non-coding transcript variant (1).
Genome position (GRCh38, 1-based): chr7:105,551,656, A>G. VCF-style: chr7-105551656-A-G. GRCh37 (hg19) VCF-style: chr7-105192103-A-G.
Other names: c.1186A>G, p.Lys396Glu (NM_001346599.2); c.397A>G, p.Lys133Glu (NM_001346600.2, NM_001346603.2); c.496A>G, p.Lys166Glu (NM_001346601.2); short protein forms K166E, K396E, K133E, K474E.
Identifiers: ClinVar variation 3314484 (VCV003314484.1).

ClinVar aggregate classification (germline): Uncertain significance (1 of 4 stars; one submission).

Submission:

Ambry Genetics
Classification: Uncertain significance. Last evaluated: 2024-06-08. Review status: criteria provided, single submitter. Criteria: Ambry Variant Classification Scheme 2023. Collection method: clinical testing. Allele origin: germline.
Comment: The p.K474E variant (also known as c.1420A>G), located in coding exon 10 of the RINT1 gene, results from an A to G substitution at nucleotide position 1420. The lysine at codon 474 is replaced by glutamic acid, an amino acid with similar properties. This amino acid position is conserved. In addition, this alteration is predicted to be tolerated by in silico analysis. Based on the available evidence, the clinical significance of this variant remains unclear.